The following is an entry in ClinVar:

NM_000090.4(COL3A1):c.698C>G (p.Ser233Ter)

Gene: COL3A1 (collagen type III alpha 1 chain; plus strand). Cytogenetic location: 2q32.2.
Variant type: single nucleotide variant.
Coding change: c.698C>G on transcript NM_000090.4 (MANE Select); coding-DNA position 698, C replaced by G.
Protein change: p.Ser233Ter; replaces serine 233 with a stop codon.
Molecular consequence: nonsense.
Genome position (GRCh38, 1-based): chr2:188,990,103, C>G. VCF-style: chr2-188990103-C-G. GRCh37 (hg19) VCF-style: chr2-189854829-C-G.
Other names: short protein forms S233*.
Identifiers: ClinVar variation 1456642 (VCV001456642.6), dbSNP rs2153501942, ClinGen allele CA349848975.

ClinVar aggregate classification (germline): Pathogenic (1 of 4 stars; one submission).

Conditions:
Ehlers-Danlos syndrome, type 4 (EDSVASC). Also called: Ehlers-Danlos syndrome vascular type; Ehlers Danlos syndrome, ecchymotic type; Ehlers Danlos syndrome, arterial type; Ehlers Danlos syndrome, Sack-Barabas type; Ehlers-Danlos Syndrome Type IV. Identifiers: Orphanet 286, MedGen C0268338, MONDO:0017314, OMIM 130050.

Submission:

Labcorp Genetics (formerly Invitae), Labcorp
Classification: Pathogenic for Ehlers-Danlos syndrome, type 4. Last evaluated: 2023-02-15. Review status: criteria provided, single submitter. Criteria: Invitae Variant Classification Sherloc (09022015). Collection method: clinical testing. Allele origin: germline.
Comment: This sequence change creates a premature translational stop signal (p.Ser233*) in the COL3A1 gene. It is expected to result in an absent or disrupted protein product. Loss-of-function variants in COL3A1 are known to be pathogenic (PMID: 24922459). This variant is not present in population databases (gnomAD no frequency). This variant has not been reported in the literature in individuals affected with COL3A1-related conditions. ClinVar contains an entry for this variant (Variation ID: 1456642). For these reasons, this variant has been classified as Pathogenic.

Literature cited by the submitters: PubMed 24922459.